The following is an entry in ClinVar:

ClinVar aggregate classification (germline): Benign. Review status: criteria provided, multiple submitters, no conflicts (2 of 4 stars). 2 submissions from 2 submitters: Benign (2). Last evaluated 2018-06-14.

Allele frequency attached by ClinVar (database versions not stated): gnomAD exomes 0.02414 and 0.02967; TOPMed 0.02697; gnomAD 0.02732 and 0.02885; 1000 Genomes Project 30x 0.03732; 1000 Genomes Project 0.03874; ExAC 0.06875.
gnomAD v4.1: 27,490 of 1,102,838 alleles (2.5%); highest among the groups gnomAD compares: South Asian, 8%; 590 homozygotes.

Submissions (2):

GeneDx
Classification: Benign. Last evaluated: 2018-06-14. Review status: criteria provided, single submitter. Criteria: GeneDx Variant Classification (06012015). Collection method: clinical testing. Allele origin: germline. Affected: yes.
Comment: This variant is considered likely benign or benign based on one or more of the following criteria: it is a conservative change, it occurs at a poorly conserved position in the protein, it is predicted to be benign by multiple in silico algorithms, and/or has population frequency not consistent with disease.

Breakthrough Genomics
Classification: Benign. Review status: criteria provided, single submitter. Criteria: ACMG Guidelines, 2015. Collection method: not provided. Allele origin: germline. Inheritance: Autosomal dominant inheritance. Affected: yes.

NM_001613.4(ACTA2):c.369+89G>A

Gene: ACTA2 (actin alpha 2, smooth muscle; minus strand). Cytogenetic location: 10q23.31.
Variant type: single nucleotide variant.
Coding change: c.369+89G>A on transcript NM_001613.4 (MANE Select); 89 bases into the intron after coding-DNA position 369, G replaced by A.
Molecular consequence: intron variant.
Genome position (GRCh38, 1-based): chr10:88,943,708, C>T on the plus strand (G>A on the coding strand, the complement: ACTA2 is on the minus strand). VCF-style: chr10-88943708-C-T. GRCh37 (hg19) VCF-style: chr10-90703465-C-T.
Other names: c.240+89G>A (NM_001406467.1, NM_001406468.1, NM_001406469.1); c.369+89G>A (NM_001320855.2, NM_001406462.1, NM_001406471.1 and 3 more transcripts); c.259-1839G>A (NM_001406466.1).
Identifiers: ClinVar variation 674574 (VCV000674574.4), dbSNP rs41284112, ClinGen allele CA027924.